The following is an entry in ClinVar:

NM_022463.5(NXN):c.907C>T (p.Arg303Trp)

Gene: NXN (nucleoredoxin; minus strand). Cytogenetic location: 17p13.3.
Variant type: single nucleotide variant.
Coding change: c.907C>T on transcript NM_022463.5 (MANE Select); coding-DNA position 907, C replaced by T.
Protein change: p.Arg303Trp; replaces arginine 303 with tryptophan.
Molecular consequence: missense variant.
Genome position (GRCh38, 1-based): chr17:805,161, G>A on the plus strand (C>T on the coding strand, the complement: NXN is on the minus strand). VCF-style: chr17-805161-G-A. GRCh37 (hg19) VCF-style: chr17-708401-G-A.
Other names: c.583C>T, p.Arg195Trp (NM_001205319.1); c.907C>T (NM_022463.4); short protein forms R195W, R303W.
Identifiers: ClinVar variation 1368183 (VCV001368183.8), dbSNP rs763398102, ClinGen allele CA8264018.
Genomic context (GRCh38, chr17:805,161, plus strand): 5'-GCTGCGCGGCGTTGGAGTCGGAGAGCTCCAGCACGGGCTTGGGGTGCCAGGGGAACTCCC[G>A]GCAGTCCTCGTCGTTCAGCACCTCCACCCGCCCCTGCCGCGTGATCACCTCGCCCTGCGG-3'
Protein context (NP_071908.2, residues 293-313): RVEVLNDEDC[Arg303Trp]EFPWHPKPVL

ClinVar aggregate classification (germline): Uncertain significance. Review status: criteria provided, multiple submitters, no conflicts (2 of 4 stars). 2 submissions from 2 submitters: Uncertain significance (2). Last evaluated 2025-09-10.

Allele frequency attached by ClinVar (database versions not stated): ExAC 0.00001; gnomAD 0.00001; gnomAD exomes 0.00001.
gnomAD v4.1: 17 of 1,610,052 alleles (0.0011%); highest among the groups gnomAD compares: Admixed American, 0.005%; no homozygotes.

Submissions (2):

Ambry Genetics
Classification: Uncertain significance. Last evaluated: 2025-09-10. Review status: criteria provided, single submitter. Criteria: Ambry Variant Classification Scheme 2023. Collection method: clinical testing. Allele origin: germline.

Labcorp Genetics (formerly Invitae), Labcorp
Classification: Uncertain significance. Last evaluated: 2023-06-13. Review status: criteria provided, single submitter. Criteria: Invitae Variant Classification Sherloc (09022015). Collection method: clinical testing. Allele origin: germline.
Comment: This variant has not been reported in the literature in individuals affected with NXN-related conditions. This variant is present in population databases (rs763398102, gnomAD 0.01%). This sequence change replaces arginine, which is basic and polar, with tryptophan, which is neutral and slightly polar, at codon 303 of the NXN protein (p.Arg303Trp). ClinVar contains an entry for this variant (Variation ID: 1368183). In summary, the available evidence is currently insufficient to determine the role of this variant in disease. Therefore, it has been classified as a Variant of Uncertain Significance. An algorithm developed to predict the effect of missense changes on protein structure and function (PolyPhen-2) suggests that this variant¬†is likely to be tolerated.